The following is an entry in ClinVar:

NM_015335.5(MED13L):c.481G>A (p.Glu161Lys)

Gene: MED13L (mediator complex subunit 13L; minus strand). Cytogenetic location: 12q24.21.
Variant type: single nucleotide variant.
Coding change: c.481G>A on transcript NM_015335.5 (MANE Select); coding-DNA position 481, G replaced by A.
Protein change: p.Glu161Lys; replaces glutamic acid 161 with lysine.
Molecular consequence: missense variant.
Genome position (GRCh38, 1-based): chr12:116,022,600, C>T on the plus strand (G>A on the coding strand, the complement: MED13L is on the minus strand). VCF-style: chr12-116022600-C-T. GRCh37 (hg19) VCF-style: chr12-116460405-C-T.
Other names: short protein forms E161K.
Identifiers: ClinVar variation 2742311 (VCV002742311.3), dbSNP rs2499953337, ClinGen allele CA386872619.

ClinVar aggregate classification (germline): Uncertain significance (1 of 4 stars; one submission).

Conditions:
Dextro-looped transposition of the great arteries. Also called: Dextrotransposition of the great arteries. Identifiers: Orphanet 860, MedGen C3531771, MONDO:0019443, OMIM 608808, HP:0031348.

Submission:

Labcorp Genetics (formerly Invitae), Labcorp
Classification: Uncertain significance for Dextro-looped transposition of the great arteries. Last evaluated: 2025-07-03. Review status: criteria provided, single submitter. Criteria: Invitae Variant Classification Sherloc (09022015). Collection method: clinical testing. Allele origin: germline.
Comment: This sequence change replaces glutamic acid, which is acidic and polar, with lysine, which is basic and polar, at codon 161 of the MED13L protein (p.Glu161Lys). This variant is not present in population databases (gnomAD no frequency). This variant has not been reported in the literature in individuals affected with MED13L-related conditions. ClinVar contains an entry for this variant (Variation ID: 2742311). Experimental studies and prediction algorithms are not available or were not evaluated, and the functional significance of this variant is currently unknown. In summary, the available evidence is currently insufficient to determine the role of this variant in disease. Therefore, it has been classified as a Variant of Uncertain Significance.